The following is an entry in ClinVar:

NM_000264.5(PTCH1):c.3016C>A (p.Leu1006Met)

Gene: PTCH1 (patched 1; minus strand). Cytogenetic location: 9q22.32.
Variant type: single nucleotide variant.
Coding change: c.3016C>A on transcript NM_000264.5 (MANE Select); coding-DNA position 3016, C replaced by A.
Protein change: p.Leu1006Met; replaces leucine 1006 with methionine.
Molecular consequence: missense variant. On other transcripts: non-coding transcript variant (1).
Genome position (GRCh38, 1-based): chr9:95,458,165, G>T on the plus strand (C>A on the coding strand, the complement: PTCH1 is on the minus strand). VCF-style: chr9-95458165-G-T. GRCh37 (hg19) VCF-style: chr9-98220447-G-T.
Other names: c.2818C>A, p.Leu940Met (NM_001083602.3); c.3013C>A, p.Leu1005Met (NM_001083603.3); c.2563C>A, p.Leu855Met (NM_001083604.3, NM_001083605.3, NM_001083606.3 and 1 more transcripts); c.2860C>A, p.Leu954Met (NM_001354918.2); short protein forms L954M, L1006M, L940M, L1005M, L855M.
Identifiers: ClinVar variation 2564406 (VCV002564406.2), dbSNP rs28535190, ClinGen allele CA196574951.
Genomic context (GRCh38, chr9:95,458,165, plus strand): 5'-GGCGGAGGCCGATGTACTGCTCCCAGAAGAGGAAGGGGTAGCCGTTGGGGTAACTGGACA[G>T]CCCCAGGCTCGTATAGTTGCTGCAGATGGTCCTTACTTTTTCAATTGCCTCCACAAAGTC-3'
Protein context (NP_000255.2, residues 996-1016): TICSNYTSLG[Leu1006Met]SSYPNGYPFL

ClinVar aggregate classification (germline): Uncertain significance (1 of 4 stars; one submission).

Conditions:
Hereditary cancer-predisposing syndrome. Also called: Neoplastic Syndromes, Hereditary; Hereditary Cancer Syndrome; Hereditary neoplastic syndrome; Tumor predisposition. Identifiers: Orphanet 140162, MedGen C0027672, MeSH D009386, MONDO:0015356.

Submission:

Ambry Genetics
Classification: Uncertain significance for Hereditary cancer-predisposing syndrome. Last evaluated: 2023-05-31. Review status: criteria provided, single submitter. Criteria: Ambry Variant Classification Scheme 2023. Collection method: clinical testing. Allele origin: germline.
Comment: The p.L1006M variant (also known as c.3016C>A), located in coding exon 18 of the PTCH1 gene, results from a C to A substitution at nucleotide position 3016. The leucine at codon 1006 is replaced by methionine, an amino acid with highly similar properties. This amino acid position is conserved. In addition, this alteration is predicted to be tolerated by in silico analysis. Since supporting evidence is limited at this time, the clinical significance of this alteration remains unclear.